The following is an entry in ClinVar:

ClinVar aggregate classification (germline): Uncertain significance (1 of 4 stars; one submission).

Conditions:
Peroxisome biogenesis disorder 12A (Zellweger). Also called: Peroxisome biogenesis disorder 12A. Identifiers: Orphanet 912, MedGen C3554002, MONDO:0013951, OMIM 614886.

Allele frequency attached by ClinVar (database versions not stated): TOPMed below 0.00001.

Submission:

Labcorp Genetics (formerly Invitae), Labcorp
Classification: Uncertain significance for Peroxisome biogenesis disorder 12A (Zellweger). Last evaluated: 2022-05-20. Review status: criteria provided, single submitter. Criteria: Invitae Variant Classification Sherloc (09022015). Collection method: clinical testing. Allele origin: germline.
Comment: This sequence change replaces glycine, which is neutral and non-polar, with arginine, which is basic and polar, at codon 56 of the PEX19 protein (p.Gly56Arg). This variant is not present in population databases (gnomAD no frequency). This variant has not been reported in the literature in individuals affected with PEX19-related conditions. Algorithms developed to predict the effect of missense changes on protein structure and function (SIFT, PolyPhen-2, Align-GVGD) all suggest that this variant is likely to be tolerated. In summary, the available evidence is currently insufficient to determine the role of this variant in disease. Therefore, it has been classified as a Variant of Uncertain Significance.

NM_002857.4(PEX19):c.166G>A (p.Gly56Arg)

Gene: PEX19 (peroxisomal biogenesis factor 19; minus strand). Cytogenetic location: 1q23.2.
Variant type: single nucleotide variant.
Coding change: c.166G>A on transcript NM_002857.4 (MANE Select); coding-DNA position 166, G replaced by A.
Protein change: p.Gly56Arg; replaces glycine 56 with arginine.
Molecular consequence: missense variant. On other transcripts: non-coding transcript variant (1).
Genome position (GRCh38, 1-based): chr1:160,283,544, C>T on the plus strand (G>A on the coding strand, the complement: PEX19 is on the minus strand). VCF-style: chr1-160283544-C-T. GRCh37 (hg19) VCF-style: chr1-160253334-C-T.
Other names: c.166G>A, p.Gly56Arg (NM_001193644.1); short protein forms G56R.
Identifiers: ClinVar variation 1377384 (VCV001377384.3), dbSNP rs1657873152, ClinGen allele CA343264370.